The following is an entry in ClinVar:

NM_130839.5(UBE3A):c.2510C>T (p.Ser837Phe)

Genes: SNHG14 (small nucleolar RNA host gene 14; plus strand), UBE3A (ubiquitin protein ligase E3A; minus strand). Cytogenetic location: 15q11.2.
Variant type: single nucleotide variant.
Coding change: c.2510C>T on transcript NM_130839.5 (MANE Select); coding-DNA position 2510, C replaced by T.
Protein change: p.Ser837Phe; replaces serine 837 with phenylalanine.
Molecular consequence: missense variant. On other transcripts: non-coding transcript variant (1).
Genome position (GRCh38, 1-based): chr15:25,339,246, G>A on the plus strand (C>T on the coding strand, the complement: UBE3A is on the minus strand). VCF-style: chr15-25339246-G-A. GRCh37 (hg19) VCF-style: chr15-25584393-G-A.
Other names: c.2450C>T, p.Ser817Phe (NM_130838.4, NM_001374461.1, NM_001354506.2 and 14 more transcripts); c.2333C>T, p.Ser778Phe (NM_001354546.2); c.2294C>T, p.Ser765Phe (NM_001354547.2, NM_001354548.2); c.2285C>T, p.Ser762Phe (NM_001354549.2); c.1259C>T, p.Ser420Phe (NM_001354550.2); c.1199C>T, p.Ser400Phe (NM_001354551.2); c.2519C>T, p.Ser840Phe (NM_000462.5); c.2510C>T, p.Ser837Phe (NM_001354505.1, NM_001354538.2); and 1 more; short protein forms S400F, S420F, S762F, S765F, S778F, S785F, S817F, S837F.
Identifiers: ClinVar variation 1709101 (VCV001709101.3), dbSNP rs2552181709, ClinGen allele CA391350710.

ClinVar aggregate classification (germline): Conflicting classifications of pathogenicity. Review status: criteria provided, conflicting classifications (1 of 4 stars). 2 submissions from 2 submitters: Pathogenic (1); Uncertain significance (1). Last evaluated 2025-02-19.

Conditions:
Angelman syndrome (AS). Also called: HAPPY PUPPET SYNDROME. Identifiers: Orphanet 72, MedGen C0162635, MONDO:0007113, OMIM 105830. Disease mechanism: loss of function. Inheritance: AS is caused by disruption of maternally imprinted UBE3A located within the 15q11.2-q13 Angelman syndrome/Prader-Willi syndrome (AS/PWS) region., imprinting disorder.

Submissions (2):

Pediatric Department, Peking University First Hospital
Classification: Pathogenic for Angelman syndrome. Last evaluated: 2025-02-19. Review status: criteria provided, single submitter. Criteria: ACMG Guidelines, 2015. Collection method: research. Allele origin: de novo. Affected: yes.

MGZ Medical Genetics Center
Classification: Uncertain significance for Angelman syndrome. Last evaluated: 2022-01-25. Review status: criteria provided, single submitter. Criteria: ACMG Guidelines, 2015. Collection method: clinical testing. Allele origin: germline. Affected: yes. Observed: 1 variant allele.
Comment: ACMG criteria applied: PM2_SUP, PP2, PP3